The following is an entry in ClinVar:

NM_000712.4(BLVRA):c.109C>G (p.Leu37Val)

Gene: BLVRA (biliverdin reductase A; plus strand). Cytogenetic location: 7p13.
Variant type: single nucleotide variant.
Coding change: c.109C>G on transcript NM_000712.4 (MANE Select); coding-DNA position 109, C replaced by G.
Protein change: p.Leu37Val; replaces leucine 37 with valine.
Molecular consequence: missense variant.
Genome position (GRCh38, 1-based): chr7:43,788,000, C>G. VCF-style: chr7-43788000-C-G. GRCh37 (hg19) VCF-style: chr7-43827599-C-G.
Other names: c.109C>G (NM_000712.3); c.109C>G, p.Leu37Val (NM_001253823.2); short protein forms L37V.
Identifiers: ClinVar variation 2705820 (VCV002705820.4), dbSNP rs17245918, ClinGen allele CA4233997.
Genomic context (GRCh38, chr7:43,788,000, plus strand): 5'-GGCCGAGCCGGCTCCGTGCGGATGAGGGACTTGCGGAATCCACACCCTTCCTCAGCGTTC[C>G]TGAACCTGATTGGCTTCGTGTCGAGGTGGCTCACAATGTCTTTGTGCTTCATAATTCATG-3'
Protein context (NP_000703.2, residues 27-47): LRNPHPSSAF[Leu37Val]NLIGFVSRRE

ClinVar aggregate classification (germline): Likely benign. Review status: criteria provided, multiple submitters, no conflicts (2 of 4 stars). 2 submissions from 2 submitters: Likely benign (2). Last evaluated 2026-01-26.

Conditions:
BLVRA-related disorder. Also called: BLVRA-related condition.

Allele frequency attached by ClinVar (database versions not stated): gnomAD 0.00005; gnomAD exomes 0.00008; TOPMed 0.00020; ExAC 0.00032.
gnomAD v4.1: 120 of 1,614,100 alleles (0.0074%); highest among the groups gnomAD compares: Admixed American, 0.2%; 3 homozygotes.

Submissions (2):

PreventionGenetics, part of Exact Sciences
Classification: Likely benign for BLVRA-related condition. Last evaluated: 2026-01-26. Review status: criteria provided, single submitter. Criteria: ACMG Guidelines, 2015. Collection method: clinical testing. Allele origin: germline.
Comment: This variant is classified as likely benign based on ACMG/AMP sequence variant interpretation guidelines (Richards et al. 2015 PMID: 25741868, with internal and published modifications).

Labcorp Genetics (formerly Invitae), Labcorp
Classification: Likely benign. Last evaluated: 2023-02-27. Review status: criteria provided, single submitter. Criteria: Invitae Variant Classification Sherloc (09022015). Collection method: clinical testing. Allele origin: germline.